The following is an entry in ClinVar:

ClinVar aggregate classification (germline): Uncertain significance (1 of 4 stars; one submission).

Conditions:
Spondylodysplastic Ehlers-Danlos syndrome. Identifiers: Orphanet 536471, Orphanet 75496, MedGen C5680154, MONDO:0007526.

Allele frequency attached by ClinVar (database versions not stated): TOPMed below 0.00001; gnomAD exomes below 0.00001.

Submission:

Labcorp Genetics (formerly Invitae), Labcorp
Classification: Uncertain significance for Spondylodysplastic Ehlers-Danlos syndrome. Last evaluated: 2021-07-24. Review status: criteria provided, single submitter. Criteria: Invitae Variant Classification Sherloc (09022015). Collection method: clinical testing. Allele origin: germline.
Comment: This sequence change replaces aspartic acid with asparagine at codon 282 of the B4GALT7 protein (p.Asp282Asn). The aspartic acid residue is highly conserved and there is a small physicochemical difference between aspartic acid and asparagine. This variant is not present in population databases (ExAC no frequency). This variant has not been reported in the literature in individuals affected with B4GALT7-related conditions. Algorithms developed to predict the effect of missense changes on protein structure and function are either unavailable or do not agree on the potential impact of this missense change (SIFT: "Tolerated"; PolyPhen-2: "Probably Damaging"; Align-GVGD: "Class C0"). Algorithms developed to predict the effect of sequence changes on RNA splicing suggest that this variant may create or strengthen a splice site. In summary, the available evidence is currently insufficient to determine the role of this variant in disease. Therefore, it has been classified as a Variant of Uncertain Significance.

NM_007255.3(B4GALT7):c.844G>A (p.Asp282Asn)

Gene: B4GALT7 (beta-1,4-galactosyltransferase 7; plus strand). Cytogenetic location: 5q35.3.
Variant type: single nucleotide variant.
Coding change: c.844G>A on transcript NM_007255.3 (MANE Select); coding-DNA position 844, G replaced by A.
Protein change: p.Asp282Asn; replaces aspartic acid 282 with asparagine.
Molecular consequence: missense variant.
Genome position (GRCh38, 1-based): chr5:177,609,555, G>A. VCF-style: chr5-177609555-G-A. GRCh37 (hg19) VCF-style: chr5-177036556-G-A.
Other names: short protein forms D282N.
Identifiers: ClinVar variation 1387325 (VCV001387325.3), dbSNP rs1768115670, ClinGen allele CA362377284.
Genomic context (GRCh38, chr5:177,609,555, plus strand): 5'-CCCATGCAGCCCTGAGTCCGTGCTCTTTCCTCTCTTCCTCCCCAGGAGCAGTTCAAGGTG[G>A]ACAGGGAGGGAGGCCTGAACACTGTGAAGTACCATGTGGCTTCCCGCACTGCCCTGTCTG-3'
Protein context (NP_009186.1, residues 272-292): AAQKQEQFKV[Asp282Asn]REGGLNTVKY